The following is an entry in ClinVar:

ClinVar aggregate classification (germline): Uncertain significance. Review status: criteria provided, multiple submitters, no conflicts (2 of 4 stars). 2 submissions from 2 submitters: Uncertain significance (2). Last evaluated 2024-06-17.

Allele frequency attached by ClinVar (database versions not stated): gnomAD exomes below 0.00001.
gnomAD v4.1: 1 of 1,609,822 alleles (0.000062%); highest among the groups gnomAD compares: Non-Finnish European, 0.000085%; no homozygotes.

Submissions (2):

Ambry Genetics
Classification: Uncertain significance. Last evaluated: 2024-06-17. Review status: criteria provided, single submitter. Criteria: Ambry Variant Classification Scheme 2023. Collection method: clinical testing. Allele origin: germline.

Labcorp Genetics (formerly Invitae), Labcorp
Classification: Uncertain significance. Last evaluated: 2021-10-12. Review status: criteria provided, single submitter. Criteria: Invitae Variant Classification Sherloc (09022015). Collection method: clinical testing. Allele origin: germline.
Comment: This sequence change replaces alanine with valine at codon 239 of the POLE2 protein (p.Ala239Val). The alanine residue is moderately conserved and there is a small physicochemical difference between alanine and valine. In summary, the available evidence is currently insufficient to determine the role of this variant in disease. Therefore, it has been classified as a Variant of Uncertain Significance. Algorithms developed to predict the effect of missense changes on protein structure and function are either unavailable or do not agree on the potential impact of this missense change (SIFT: "Tolerated"; PolyPhen-2: "Probably Damaging"; Align-GVGD: "Class C0"). This variant has not been reported in the literature in individuals affected with POLE2-related conditions. This variant is not present in population databases (ExAC no frequency).

NM_002692.4(POLE2):c.716C>T (p.Ala239Val)

Gene: POLE2 (DNA polymerase epsilon 2, accessory subunit; minus strand). Cytogenetic location: 14q21.3.
Variant type: single nucleotide variant.
Coding change: c.716C>T on transcript NM_002692.4 (MANE Select); coding-DNA position 716, C replaced by T.
Protein change: p.Ala239Val; replaces alanine 239 with valine.
Molecular consequence: missense variant.
Genome position (GRCh38, 1-based): chr14:49,663,354, G>A on the plus strand (C>T on the coding strand, the complement: POLE2 is on the minus strand). VCF-style: chr14-49663354-G-A. GRCh37 (hg19) VCF-style: chr14-50130072-G-A.
Other names: c.716C>T (NM_002692.3); c.638C>T, p.Ala213Val (NM_001197330.2); c.716C>T, p.Ala239Val (NM_001197331.3, NM_001348384.2); c.485C>T, p.Ala162Val (NM_001348385.2); short protein forms A239V, A162V, A213V.
Identifiers: ClinVar variation 1515460 (VCV001515460.7), dbSNP rs1029759847, ClinGen allele CA389606282.
Genomic context (GRCh38, chr14:49,663,354, plus strand): 5'-ATAAACCAAACATTTTAATACCTAGTAGTACTAGAGGGCTCAGTGGGTGGAAATCCAAAG[G>A]CATTGACATGAAACACTTGATCTTCAAACCAACCTGAAAAAAAGTAACGTCACTTTCATT-3'
Protein context (NP_002683.2, residues 229-249): WFEDQVFHVN[Ala239Val]FGFPPTEPSS